The following is an entry in ClinVar:

NM_001038603.3(MARVELD2):c.1467del (p.Val489_Met490insTer)

Gene: MARVELD2 (MARVEL domain containing 2; plus strand). Cytogenetic location: 5q13.2.
Variant type: Deletion.
Coding change: c.1467del on transcript NM_001038603.3 (MANE Select); coding-DNA position 1467, one base deleted (G; older notation c.1467delG).
Protein change: p.Val489_Met490insTer.
Molecular consequence: frameshift variant.
Genome position (GRCh38, 1-based): chr5:69,433,057, G deleted. VCF-style (leftmost placement, unchanged base first): chr5-69433056-TG-T. GRCh37 (hg19) VCF-style: chr5-68728883-TG-T.
Other names: c.1431del, p.Val477_Met478insTer (NM_001244734.2).
Identifiers: ClinVar variation 3601231 (VCV003601231.1).

ClinVar aggregate classification (germline): Pathogenic (1 of 4 stars; one submission).

Conditions:
Autosomal recessive nonsyndromic hearing loss 49. Also called: Deafness, neurosensory, autosomal recessive 49. Identifiers: Orphanet 90636, MedGen C1857811, MONDO:0012420, OMIM 610153.

Submission:

Institute of Rare Diseases, West China Hospital, Sichuan University
Classification: Pathogenic for Autosomal recessive nonsyndromic hearing loss 49. Last evaluated: 2025-01-09. Review status: criteria provided, single submitter. Criteria: ClinGen HL ACMG Specifications v1. Collection method: research. Allele origin: germline. Affected: yes.
Comment: PVS1;PM3;PM2_Supporting